The following is an entry in ClinVar:

ClinVar aggregate classification (germline): Uncertain significance. Review status: criteria provided, multiple submitters, no conflicts (2 of 4 stars). 6 submissions from 6 submitters: Uncertain significance (5). 1 of the submissions does not count toward it. Last evaluated 2025-01-29.

Conditions:
NPHP4-related disorder. Also called: NPHP4-related condition; NPHP4-related disorders. Identifiers: MedGen CN239384.
Senior-Loken syndrome 4 (SLSN4). Identifiers: Orphanet 3156, MedGen C1846979, MONDO:0011756, OMIM 606996.
Nephronophthisis 4 (NPHP4). Also called: NEPHRONOPHTHISIS 4, JUVENILE. Identifiers: Orphanet 655, MedGen C1847013, MONDO:0011752, OMIM 606966.
Nephronophthisis. Also called: Juvenile Nephronophthisis. Identifiers: Orphanet 655, MedGen C0687120, MONDO:0019005, HP:0000090.

Allele frequency attached by ClinVar (database versions not stated): gnomAD exomes 0.00002 and 0.00006; ExAC 0.00007; ESP Exome Variant Server 0.00008; gnomAD 0.00016; TOPMed 0.00021; 1000 Genomes Project 0.00040; 1000 Genomes Project 30x 0.00047.
gnomAD v4.1: 57 of 1,614,018 alleles (0.0035%); highest among the groups gnomAD compares: African/African-American, 0.065%; no homozygotes.

Submissions (6):

Labcorp Genetics (formerly Invitae), Labcorp
Classification: Uncertain significance for Nephronophthisis. Last evaluated: 2025-01-29. Review status: criteria provided, single submitter. Criteria: Invitae Variant Classification Sherloc (09022015). Collection method: clinical testing. Allele origin: germline.
Comment: This sequence change replaces threonine, which is neutral and polar, with alanine, which is neutral and non-polar, at codon 679 of the NPHP4 protein (p.Thr679Ala). This variant is present in population databases (rs201642456, gnomAD 0.07%). This variant has not been reported in the literature in individuals affected with NPHP4-related conditions. ClinVar contains an entry for this variant (Variation ID: 501860). Invitae Evidence Modeling of protein sequence and biophysical properties (such as structural, functional, and spatial information, amino acid conservation, physicochemical variation, residue mobility, and thermodynamic stability) indicates that this missense variant is expected to disrupt NPHP4 protein function with a positive predictive value of 80%. Algorithms developed to predict the effect of sequence changes on RNA splicing suggest that this variant may create or strengthen a splice site. In summary, the available evidence is currently insufficient to determine the role of this variant in disease. Therefore, it has been classified as a Variant of Uncertain Significance.

Blueprint Genetics
Classification: Uncertain significance. Last evaluated: 2024-11-13. Review status: criteria provided, single submitter. Criteria: ACMG Guidelines, 2015. Collection method: clinical testing. Allele origin: germline.

Fulgent Genetics
Classification: Uncertain significance for Nephronophthisis 4; Senior-Loken syndrome 4. Last evaluated: 2024-03-27. Review status: criteria provided, single submitter. Criteria: ACMG Guidelines, 2015. Collection method: clinical testing. Allele origin: germline.

Mayo Clinic Laboratories, Mayo Clinic
Classification: Uncertain significance. Last evaluated: 2023-08-25. Review status: criteria provided, single submitter. Criteria: ACMG Guidelines, 2015. Collection method: clinical testing. Allele origin: germline. Observed: 1 variant allele.
Comment: PM2_moderate

Eurofins Ntd Llc (ga)
Classification: Uncertain significance. Last evaluated: 2018-06-13. Review status: criteria provided, single submitter. Criteria: EGL ClinVar v180209 classification definitions. Collection method: clinical testing. Allele origin: germline. Observed: 3 variant alleles, 3 heterozygotes.

PreventionGenetics, part of Exact Sciences
Classification: Uncertain significance for NPHP4-related condition. Last evaluated: 2024-08-21. Review status: no assertion criteria provided. Collection method: clinical testing. Allele origin: germline. Not counted in ClinVar's aggregate classification.
Comment: The NPHP4 c.2035A>G variant is predicted to result in the amino acid substitution p.Thr679Ala. To our knowledge, this variant has not been reported in the literature. This variant is reported in 0.070% of alleles in individuals of African descent in gnomAD, which may be too common to be a primary cause of disease. Although we suspect that this variant may be benign, at this time, the clinical significance of this variant is uncertain due to the absence of conclusive functional and genetic evidence.

NM_015102.5(NPHP4):c.2035A>G (p.Thr679Ala)

Gene: NPHP4 (nephrocystin 4; minus strand). Cytogenetic location: 1p36.31.
Variant type: single nucleotide variant.
Coding change: c.2035A>G on transcript NM_015102.5 (MANE Select); coding-DNA position 2035, A replaced by G.
Protein change: p.Thr679Ala; replaces threonine 679 with alanine.
Molecular consequence: missense variant. On other transcripts: non-coding transcript variant (1).
Genome position (GRCh38, 1-based): chr1:5,904,725, T>C on the plus strand (A>G on the coding strand, the complement: NPHP4 is on the minus strand). VCF-style: chr1-5904725-T-C. GRCh37 (hg19) VCF-style: chr1-5964785-T-C.
Other names: p.Thr679Ala; c.496A>G, p.Thr166Ala (NM_001291593.2); c.499A>G, p.Thr167Ala (NM_001291594.2); c.2035A>G (NM_015102.4); short protein forms T679A, T166A, T167A.
Identifiers: ClinVar variation 501860 (VCV000501860.15), dbSNP rs201642456, ClinGen allele CA554295.